The following is an entry in ClinVar:

ClinVar aggregate classification (germline): Pathogenic. Review status: reviewed by expert panel (3 of 4 stars). 3 submissions from 3 submitters: Pathogenic (1). 2 of the submissions do not count toward it. Last evaluated 2021-09-28.

Conditions:
Rare genetic deafness. Identifiers: Orphanet 96210, MedGen C5680250.
Nonsyndromic genetic hearing loss. Also called: Non-syndromic genetic deafness; Nonsyndromic hearing loss and deafness; Nonsyndromic genetic deafness. Identifiers: Orphanet 87884, MedGen C5680182, MONDO:0019497.
Inborn genetic diseases. Identifiers: MedGen C0950123, MeSH D030342.

Allele frequency attached by ClinVar (database versions not stated): gnomAD exomes below 0.00001 and 0.00001; TOPMed below 0.00001.
gnomAD v4.1: 2 of 1,604,222 alleles (0.00012%); highest among the groups gnomAD compares: Non-Finnish European, 0.000085%; no homozygotes.

Submissions (3):

ClinGen Hearing Loss Variant Curation Expert Panel
Classification: Pathogenic for Nonsyndromic genetic hearing loss. Last evaluated: 2021-09-28. Review status: reviewed by expert panel. Criteria: clingen hl acmg specifications otof myo15a v1. Collection method: curation. Allele origin: germline. Inheritance: Autosomal recessive inheritance.
Comment: The allele frequency of the c.10045C>T (p.Gln3349Ter) variant in the MYO15A gene is 0.002% (2/112392) of European non-Finnish alleles by gnomAD v2.1.1, which is a low enough frequency to apply PM2_Supporting based on the thresholds defined by the ClinGen Hearing Loss Expert Panel for autosomal recessive hearing loss (PM2_Supporting). This variant has been detected in 1 patient with hearing loss in trans with a pathogenic variant (PM3_Supporting, Partners LMM internal data SCV001365783.1). The p.Gln3349Ter variant in MYO15A is predicted to cause a premature stop codon in biologically-relevant-exon 62/66 that leads to a truncated or absent protein in a gene in which loss-of-function is an established mechanism (PVS1). In summary, this variant meets criteria to be classified as pathogenic for autosomal recessive hearing loss based on the ACMG/AMP criteria applied, as specified by the Hearing Loss Expert Panel: PM2_Supporting, PM3_Supporting, PVS1.

Laboratory for Molecular Medicine, Mass General Brigham Personalized Medicine
Classification: Pathogenic for Rare genetic deafness. Last evaluated: 2019-07-24. Review status: criteria provided, single submitter. Criteria: LMM Criteria. Collection method: clinical testing. Allele origin: germline. Inheritance: Autosomal recessive inheritance. Observed: 1 variant allele. Not counted in ClinVar's aggregate classification.
Comment: The p.Gln3349X variant in MYO15A has not been previously reported in individuals with hearing loss. It has been identified in 0.001% (2/112392) of European chromosomes by gnomAD. This nonsense variant leads to a premature termination codon at position 3349, which is predicted to lead to a truncated or absent protein. Loss of function of the 3349 gene is an established disease mechanism in autosomal recessive hearing loss. In summary, this variant meets criteria to be classified as pathogenic for autosomal recessive hearing loss. ACMG/AMP Criteria applied: PVS1, PM2, PM3.

Ambry Genetics
Classification: Pathogenic for Inborn genetic diseases. Last evaluated: 2019-03-13. Review status: criteria provided, single submitter. Criteria: Ambry exome assertion method (8-5-2015). Collection method: clinical testing. Allele origin: germline. Affected: yes. Observed: 1 variant allele. Not counted in ClinVar's aggregate classification.

NM_016239.4(MYO15A):c.10045C>T (p.Gln3349Ter)

Gene: MYO15A (myosin XVA; plus strand). Cytogenetic location: 17p11.2.
Variant type: single nucleotide variant.
Coding change: c.10045C>T on transcript NM_016239.4 (MANE Select); coding-DNA position 10045, C replaced by T.
Protein change: p.Gln3349Ter; replaces glutamine 3349 with a stop codon.
Molecular consequence: nonsense.
Genome position (GRCh38, 1-based): chr17:18,167,686, C>T. VCF-style: chr17-18167686-C-T. GRCh37 (hg19) VCF-style: chr17-18071000-C-T.
Other names: NM_016239.4(MYO15A):c.10045C>T; p.Gln3349Ter; short protein forms Q3349*.
Identifiers: ClinVar variation 930033 (VCV000930033.8), dbSNP rs1345580310, ClinGen allele CA398643026.